The following is an entry in ClinVar:

ClinVar aggregate classification (germline): Uncertain significance (1 of 4 stars; one submission).

Conditions:
LAMA2-related muscular dystrophy (LAMA2-RD). Also called: Laminin alpha 2-related dystrophy. Identifiers: MedGen C5679788, MONDO:0100228.

Allele frequency attached by ClinVar (database versions not stated): TOPMed below 0.00001; ExAC 0.00001; gnomAD 0.00001.

Submission:

Labcorp Genetics (formerly Invitae), Labcorp
Classification: Uncertain significance for LAMA2-related muscular dystrophy. Last evaluated: 2022-06-14. Review status: criteria provided, single submitter. Criteria: Invitae Variant Classification Sherloc (09022015). Collection method: clinical testing. Allele origin: germline.
Comment: This sequence change falls in intron 42 of the LAMA2 gene. It does not directly change the encoded amino acid sequence of the LAMA2 protein. It affects a nucleotide within the consensus splice site. This variant is present in population databases (rs763632440, gnomAD 0.007%). This variant has not been reported in the literature in individuals affected with LAMA2-related conditions. Variants that disrupt the consensus splice site are a relatively common cause of aberrant splicing (PMID: 17576681, 9536098). Algorithms developed to predict the effect of sequence changes on RNA splicing suggest that this variant is not likely to affect RNA splicing. In summary, the available evidence is currently insufficient to determine the role of this variant in disease. Therefore, it has been classified as a Variant of Uncertain Significance.

Literature cited by the submitters: PubMed 17576681; PubMed 9536098.

NM_000426.4(LAMA2):c.6085+5G>A

Gene: LAMA2 (laminin subunit alpha 2; plus strand). Cytogenetic location: 6q22.33.
Variant type: single nucleotide variant.
Coding change: c.6085+5G>A on transcript NM_000426.4 (MANE Select); 5 bases into the intron after coding-DNA position 6085, G replaced by A.
Molecular consequence: intron variant.
Genome position (GRCh38, 1-based): chr6:129,438,767, G>A. VCF-style: chr6-129438767-G-A. GRCh37 (hg19) VCF-style: chr6-129759912-G-A.
Other names: c.6085+5G>A (NM_001079823.2).
Identifiers: ClinVar variation 2141297 (VCV002141297.1), dbSNP rs763632440, ClinGen allele CA3994090.